The following is an entry in ClinVar:

NM_000138.5(FBN1):c.7210G>A (p.Asp2404Asn)

Gene: FBN1 (fibrillin 1; minus strand). Cytogenetic location: 15q21.1.
Variant type: single nucleotide variant.
Coding change: c.7210G>A on transcript NM_000138.5 (MANE Select); coding-DNA position 7210, G replaced by A.
Protein change: p.Asp2404Asn; replaces aspartic acid 2404 with asparagine.
Molecular consequence: missense variant.
Genome position (GRCh38, 1-based): chr15:48,425,859, C>T on the plus strand (G>A on the coding strand, the complement: FBN1 is on the minus strand). VCF-style: chr15-48425859-C-T. GRCh37 (hg19) VCF-style: chr15-48718056-C-T.
Other names: short protein forms D2404N.
Identifiers: ClinVar variation 573316 (VCV000573316.20), dbSNP rs530059069, ClinGen allele CA058107.

ClinVar aggregate classification (germline): Conflicting classifications of pathogenicity. Review status: criteria provided, conflicting classifications (1 of 4 stars). 6 submissions from 6 submitters: Uncertain significance (3); Likely benign (3). Last evaluated 2026-01-26.

Conditions:
Familial thoracic aortic aneurysm and aortic dissection (TAAD). Also called: Thoracic aortic aneurysms and dissections. Identifiers: Orphanet 91387, MedGen C4707243, MONDO:0019625.
Weill-Marchesani syndrome 2, dominant. Also called: Weill-Marchesani Syndrome, Autosomal Dominant; FBN1-Related Weill-Marchesani Syndrome. Identifiers: Orphanet 2084, MedGen C1869115, MONDO:0012013, OMIM 608328.
Progeroid and marfanoid aspect-lipodystrophy syndrome. Also called: Marfan lipodystrophy syndrome; MARFANOID-PROGEROID SYNDROME; MARFAN-PROGEROID-LIPODYSTROPHY SYNDROME; MARFANOID-PROGEROID-LIPODYSTROPHY SYNDROME. Identifiers: Orphanet 300382, MedGen C4310796, MONDO:0014831, OMIM 616914.
Stiff skin syndrome (SSKS). Identifiers: Orphanet 2833, MedGen C1861456, MONDO:0008492, OMIM 184900.
Acromicric dysplasia (ACMICD). Also called: Acromicric skeletal dysplasia. Identifiers: Orphanet 969, MedGen C0265287, MONDO:0007055, OMIM 102370.
Geleophysic dysplasia 2 (GPHYSD2). Identifiers: Orphanet 2623, MedGen C3280054, MONDO:0013612, OMIM 614185.
Ectopia lentis 1, isolated, autosomal dominant (ECTOL1). Identifiers: Orphanet 1885, MedGen C3541518, MONDO:0007514, OMIM 129600.
Marfan syndrome (MFS). Also called: FBN1-Related Marfan Syndrome; Marfan syndrome type 1; Marfan's syndrome; Marfan syndrome, classic; MARFAN SYNDROME, TYPE I. Identifiers: Orphanet 284963, Orphanet 558, MedGen C0024796, MONDO:0007947, OMIM 154700.
MASS syndrome (OCTD). Also called: MASS PHENOTYPE; OVERLAP CONNECTIVE TISSUE DISEASE. Identifiers: MedGen C1858556, MONDO:0011431, OMIM 604308.

Allele frequency attached by ClinVar (database versions not stated): gnomAD exomes 0.00006 and 0.00003; ExAC 0.00005; gnomAD 0.00005 and 0.00004; TOPMed 0.00006; 1000 Genomes Project 30x 0.00016; 1000 Genomes Project 0.00020.
gnomAD v4.1: 62 of 1,607,226 alleles (0.0039%); highest among the groups gnomAD compares: South Asian, 0.028%; no homozygotes.

Submissions (6):

Labcorp Genetics (formerly Invitae), Labcorp
Classification: Likely benign for Marfan syndrome; Familial thoracic aortic aneurysm and aortic dissection. Last evaluated: 2026-01-26. Review status: criteria provided, single submitter. Criteria: Invitae Variant Classification Sherloc (09022015). Collection method: clinical testing. Allele origin: germline.

Women's Health and Genetics/Laboratory Corporation of America, LabCorp
Classification: Likely benign. Last evaluated: 2025-09-24. Review status: criteria provided, single submitter. Criteria: LabCorp Variant Classification Summary - May 2015. Collection method: clinical testing. Allele origin: germline.
Comment: Variant summary: FBN1 c.7210G>A (p.Asp2404Asn) results in a conservative amino acid change located in the EGF-like calcium-binding domain of the encoded protein sequence. Algorithms developed to predict the effect of missense changes on protein structure and function are either unavailable or do not agree on the potential impact of this missense change. The variant allele was found at a frequency of 6.4e-05 in 250962 control chromosomes, predominantly at a frequency of 0.00033 within the South Asian subpopulation in the gnomAD database. The observed variant frequency within South Asian control individuals in the gnomAD database exceeds the estimated maximal expected allele frequency for disease-causing variants in FBN1. c.7210G>A has been reported in the literature in individuals affected with Marfan Syndrome (Baudhuin_2015). These report(s) do not provide unequivocal conclusions about association of the variant with Marfan Syndrome. To our knowledge, no experimental evidence demonstrating an impact on protein function has been reported. The following publication has been ascertained in the context of this evaluation (PMID: 25652356). ClinVar contains an entry for this variant (Variation ID: 573316). Based on the evidence outlined above, the variant was classified as likely benign.

Ambry Genetics
Classification: Uncertain significance for Familial thoracic aortic aneurysm and aortic dissection. Last evaluated: 2024-12-27. Review status: criteria provided, single submitter. Criteria: Ambry Variant Classification Scheme 2023. Collection method: clinical testing. Allele origin: germline.
Comment: The p.D2404N variant (also known as c.7210G>A), located in coding exon 58 of the FBN1 gene, results from a G to A substitution at nucleotide position 7210. The aspartic acid at codon 2404 is replaced by asparagine, an amino acid with highly similar properties. This variant alters a conserved residue in the calcium-binding consensus sequence of a cbEGF domain and is expected to disrupt FBN1 function (Handford PA et al. Nature. 1991; 351(6322):164-7). This variant was reported to segregate with disease in a family with features consistent with Marfan syndrome; however, details were limited (Baudhuin LM et al. J Hum Genet, 2015 May;60:241-52). This amino acid position is highly conserved in available vertebrate species. In addition, this alteration is predicted to be tolerated by in silico analysis. Based on data from gnomAD, the frequency for this variant is above the maximum credible frequency for a disease-causing variant in this gene based on internally established thresholds (Karczewski et al. Nature. 2020 May;581(7809):434-443; Whiffin et al. Genet Med. 2017 10;19:1151-1158). Based on the available evidence, the clinical significance of this variant remains unclear.

Color Diagnostics, LLC DBA Color Health
Classification: Likely benign for Familial thoracic aortic aneurysm and aortic dissection. Last evaluated: 2024-07-24. Review status: criteria provided, single submitter. Criteria: ACMG Guidelines, 2015. Collection method: clinical testing. Allele origin: germline.

All of Us Research Program, National Institutes of Health
Classification: Uncertain significance for Marfan syndrome. Last evaluated: 2023-06-28. Review status: criteria provided, single submitter. Criteria: ACMG Guidelines, 2015. Collection method: clinical testing. Allele origin: germline. Inheritance: Autosomal dominant inheritance. Observed: 4 variant alleles, 4 heterozygotes.
Comment: This missense variant replaces aspartic acid with asparagine at codon 2404 of the FBN1 protein. Computational prediction suggests that this variant may not impact protein structure and function (internally defined REVEL score threshold <= 0.5, PMID: 27666373). To our knowledge, functional studies have not been performed for this variant. This variant has been reported in four individuals from the same family who were affected with Marfan syndrome (PMID: 25652356). This variant has also been identified in 20/282192 chromosomes in the general population by the Genome Aggregation Database (gnomAD). The available evidence is insufficient to determine the role of this variant in disease conclusively. Therefore, this variant is classified as a Variant of Uncertain Significance.

This study involves interpretation of variants in research participants for the purpose of population health screening. Participant phenotype was not available at the time of variant classification. Additional details can be found in publication PMID: 35346344, PMCID: PMC8962531

Fulgent Genetics
Classification: Uncertain significance for Acromicric dysplasia; Ectopia lentis 1, isolated, autosomal dominant; Marfan syndrome; Stiff skin syndrome; MASS syndrome; Weill-Marchesani syndrome 2, dominant; Geleophysic dysplasia 2; Progeroid and marfanoid aspect-lipodystrophy syndrome. Last evaluated: 2021-09-30. Review status: criteria provided, single submitter. Criteria: ACMG Guidelines, 2015. Collection method: clinical testing. Allele origin: unknown.

Literature cited by the submitters: PubMed 25652356 (cited by 3 submitters).